The following is an entry in ClinVar:

ClinVar aggregate classification (germline): Benign/Likely benign. Review status: criteria provided, multiple submitters, no conflicts (2 of 4 stars). 6 submissions from 6 submitters: Benign (2); Likely benign (2). 2 of the submissions do not count toward it. Last evaluated 2025-12-11.

Conditions:
concomitant exotropia.
COL4A2-related disorder. Also called: COL4A2-related disorders; COL4A2-related condition.
Brain small vessel disease 2A, autosomal dominant. Also called: Porencephaly 2. Identifiers: Orphanet 2940, Orphanet 99810, MedGen C3280970, MONDO:0013773, OMIM 614483.

Allele frequency attached by ClinVar (database versions not stated): ESP Exome Variant Server 0.00043; gnomAD 0.00059 and 0.00069; TOPMed 0.00082; ExAC 0.00092; 1000 Genomes Project 30x 0.00234; 1000 Genomes Project 0.00280.

Submissions (6):

Labcorp Genetics (formerly Invitae), Labcorp
Classification: Benign. Last evaluated: 2025-12-11. Review status: criteria provided, single submitter. Criteria: Invitae Variant Classification Sherloc (09022015). Collection method: clinical testing. Allele origin: germline.

CeGaT Center for Human Genetics Tuebingen
Classification: Likely benign. Last evaluated: 2025-12-01. Review status: criteria provided, single submitter. Criteria: CeGaT Center For Human Genetics Tuebingen Variant Classification Criteria Version 2. Collection method: clinical testing. Allele origin: germline. Affected: yes. Observed: 1 variant allele.
Comment: COL4A2: BS1

Blueprint Genetics
Classification: Likely benign. Last evaluated: 2024-10-25. Review status: criteria provided, single submitter. Criteria: ACMG Guidelines, 2015. Collection method: clinical testing. Allele origin: germline.

Illumina Laboratory Services, Illumina
Classification: Benign for Brain small vessel disease 2A, autosomal dominant. Last evaluated: 2018-01-13. Review status: criteria provided, single submitter. Criteria: ICSL Variant Classification Criteria 13 December 2019. Collection method: clinical testing. Allele origin: germline.
Comment: This variant was observed in the ICSL laboratory as part of a predisposition screen in an ostensibly healthy population. It had not been previously curated by ICSL or reported in the Human Gene Mutation Database (HGMD: prior to June 1st, 2018), and was therefore a candidate for classification through an automated scoring system. Utilizing variant allele frequency, disease prevalence and penetrance estimates, and inheritance mode, an automated score was calculated to assess if this variant is too frequent to cause the disease. Based on the score and internal cut-off values, a variant classified as benign is not then subjected to further curation. The score for this variant resulted in a classification of benign for this disease.

Ophthalmology Lab, The First People's Hospital of Yunnan Provience
Classification: Likely pathogenic for concomitant exotropia. Last evaluated: 2024-08-30. Review status: no assertion criteria provided. Collection method: clinical testing. Allele origin: inherited. Affected: yes. Observed: 4 variant alleles. Not counted in ClinVar's aggregate classification.
Comment: Dominant inheritance. COL4A2 is a protein-coding gene associated with brain small vessel disease and intracerebral hemorrhage. Among its related pathways are the integrin pathway and nervous system development. Interestingly, ophthalmic diseases associated with COL4A2 mutations include keratoconus, ocular anterior segment dysgenesis, and nonarteritic anterior ischemic optic neuropathy. Neri et al described a novel COL4A2 mutation presenting with epilepsy and cortical development malformations, and the phenotype included strabismus. In our study, this gene was screened in all three pedigrees with different mutation sites.

PreventionGenetics, part of Exact Sciences
Classification: Likely benign for COL4A2-related condition. Last evaluated: 2019-03-07. Review status: no assertion criteria provided. Collection method: clinical testing. Allele origin: germline. Not counted in ClinVar's aggregate classification.
Comment: This variant is classified as likely benign based on ACMG/AMP sequence variant interpretation guidelines (Richards et al. 2015 PMID: 25741868, with internal and published modifications).

NM_001846.4(COL4A2):c.4256T>C (p.Met1419Thr)

Genes: COL4A2 (collagen type IV alpha 2 chain; plus strand), COL4A2-AS1 (COL4A2 antisense RNA 1; minus strand). Cytogenetic location: 13q34.
Variant type: single nucleotide variant.
Coding change: c.4256T>C on transcript NM_001846.4 (MANE Select); coding-DNA position 4256, T replaced by C.
Protein change: p.Met1419Thr; replaces methionine 1419 with threonine.
Molecular consequence: missense variant.
Genome position (GRCh38, 1-based): chr13:110,503,964, T>C. VCF-style: chr13-110503964-T-C. GRCh37 (hg19) VCF-style: chr13-111156311-T-C.
Other names: short protein forms M1419T.
Identifiers: ClinVar variation 311176 (VCV000311176.22), dbSNP rs191708663, ClinGen allele CA7050459.